The following is an entry in ClinVar:

ClinVar aggregate classification (germline): Uncertain significance (1 of 4 stars; one submission).

Submission:

GeneDx
Classification: Uncertain significance. Last evaluated: 2022-11-14. Review status: criteria provided, single submitter. Criteria: GeneDx Variant Classification Process June 2021. Collection method: clinical testing. Allele origin: germline. Affected: yes.
Comment: Not observed at significant frequency in large population cohorts (gnomAD); In silico analysis supports a deleterious effect on splicing; Has not been previously published as pathogenic or benign to our knowledge

NM_006950.3(SYN1):c.775-3C>G

Genes: SYN1 (synapsin I; minus strand), LOC121627969 (Sharpr-MPRA regulatory region 5152; plus strand). Cytogenetic location: Xp11.3.
Variant type: single nucleotide variant.
Coding change: c.775-3C>G on transcript NM_006950.3 (MANE Select); 3 bases into the intron before coding-DNA position 775, C replaced by G.
Molecular consequence: intron variant.
Genome position (GRCh38, 1-based): chrX:47,577,504, G>C on the plus strand (C>G on the coding strand, the complement: SYN1 is on the minus strand). VCF-style: chrX-47577504-G-C. GRCh37 (hg19) VCF-style: chrX-47436903-G-C.
Other names: c.775-3C>G (NM_133499.2).
Identifiers: ClinVar variation 2501862 (VCV002501862.1), dbSNP rs2057781625, ClinGen allele CA2580617026.